The following is an entry in ClinVar:

NM_001035.3(RYR2):c.6053A>G (p.Asp2018Gly)

Gene: RYR2 (ryanodine receptor 2; plus strand). Cytogenetic location: 1q43.
Variant type: single nucleotide variant.
Coding change: c.6053A>G on transcript NM_001035.3 (MANE Select); coding-DNA position 6053, A replaced by G.
Protein change: p.Asp2018Gly; replaces aspartic acid 2018 with glycine.
Molecular consequence: missense variant.
Genome position (GRCh38, 1-based): chr1:237,625,691, A>G. VCF-style: chr1-237625691-A-G. GRCh37 (hg19) VCF-style: chr1-237788991-A-G.
Other names: short protein forms D2018G.
Identifiers: ClinVar variation 944269 (VCV000944269.11), dbSNP rs1679572780, ClinGen allele CA345408795.

ClinVar aggregate classification (germline): Uncertain significance (1 of 4 stars; one submission).

Conditions:
Catecholaminergic polymorphic ventricular tachycardia 1. Also called: VENTRICULAR TACHYCARDIA, CATECHOLAMINERGIC POLYMORPHIC, 1, WITH OR WITHOUT ATRIAL DYSFUNCTION AND/OR DILATED CARDIOMYOPATHY; VENTRICULAR TACHYCARDIA, STRESS-INDUCED POLYMORPHIC 1; RYR2-Related Catecholaminergic Polymorphic Ventricular Tachycardia. Identifiers: Orphanet 3286, MedGen C1631597, MONDO:0011484, OMIM 604772.

Submission:

Labcorp Genetics (formerly Invitae), Labcorp
Classification: Uncertain significance for Catecholaminergic polymorphic ventricular tachycardia 1. Last evaluated: 2019-05-27. Review status: criteria provided, single submitter. Criteria: Invitae Variant Classification Sherloc (09022015). Collection method: clinical testing. Allele origin: germline.
Comment: In summary, the available evidence is currently insufficient to determine the role of this variant in disease. Therefore, it has been classified as a Variant of Uncertain Significance. Algorithms developed to predict the effect of missense changes on protein structure and function are either unavailable or do not agree on the potential impact of this missense change (SIFT: "Deleterious"; PolyPhen-2: "Benign"; Align-GVGD: "Class C65"). This variant has not been reported in the literature in individuals with RYR2-related conditions. This variant is not present in population databases (ExAC no frequency). This sequence change replaces aspartic acid with glycine at codon 2018 of the RYR2 protein (p.Asp2018Gly). The aspartic acid residue is highly conserved and there is a moderate physicochemical difference between aspartic acid and glycine.